The following is an entry in ClinVar:

NM_013254.4(TBK1):c.1253T>C (p.Ile418Thr)

Gene: TBK1 (TANK binding kinase 1; plus strand). Cytogenetic location: 12q14.2.
Variant type: single nucleotide variant.
Coding change: c.1253T>C on transcript NM_013254.4 (MANE Select); coding-DNA position 1253, T replaced by C.
Protein change: p.Ile418Thr; replaces isoleucine 418 with threonine.
Molecular consequence: missense variant.
Genome position (GRCh38, 1-based): chr12:64,485,930, T>C. VCF-style: chr12-64485930-T-C. GRCh37 (hg19) VCF-style: chr12-64879710-T-C.
Other names: short protein forms I418T.
Identifiers: ClinVar variation 4774148 (VCV004774148.1).

ClinVar aggregate classification (germline): Uncertain significance (1 of 4 stars; one submission).

Conditions:
Frontotemporal dementia and/or amyotrophic lateral sclerosis 4. Also called: FTDALS4. Identifiers: Orphanet 275872, MedGen C4225325, MONDO:0014641, OMIM 616439.

Submission:

Labcorp Genetics (formerly Invitae), Labcorp
Classification: Uncertain significance for Frontotemporal dementia and/or amyotrophic lateral sclerosis 4. Last evaluated: 2025-05-14. Review status: criteria provided, single submitter. Criteria: Invitae Variant Classification Sherloc (09022015). Collection method: clinical testing. Allele origin: germline.
Comment: This sequence change replaces isoleucine, which is neutral and non-polar, with threonine, which is neutral and polar, at codon 418 of the TBK1 protein (p.Ile418Thr). This variant is not present in population databases (gnomAD no frequency). This missense change has been observed in individual(s) with clinical features of TBK1- related conditions (internal data). Invitae Evidence Modeling of protein sequence and biophysical properties (such as structural, functional, and spatial information, amino acid conservation, physicochemical variation, residue mobility, and thermodynamic stability) indicates that this missense variant is not expected to disrupt TBK1 protein function with a negative predictive value of 95%. This variant disrupts the p.Ile418 amino acid residue in TBK1. Other variant(s) that disrupt this residue have been observed in individuals with TBK1-related conditions (PMID: 28008748), which suggests that this may be a clinically significant amino acid residue. In summary, the available evidence is currently insufficient to determine the role of this variant in disease. Therefore, it has been classified as a Variant of Uncertain Significance.

Literature cited by the submitters: PubMed 28008748.